The following is an entry in ClinVar:

NM_182476.3(COQ6):c.775C>T (p.Leu259=)

Genes: COQ6 (coenzyme Q6, monooxygenase; plus strand), ENTPD5 (ectonucleoside triphosphate diphosphohydrolase 5; minus strand). Cytogenetic location: 14q24.3.
Variant type: single nucleotide variant.
Coding change: c.775C>T on transcript NM_182476.3 (MANE Select); coding-DNA position 775, C replaced by T.
Protein change: p.Leu259=; no amino-acid change (leucine 259 retained).
Molecular consequence: synonymous variant. On other transcripts: 3 prime UTR variant (3), intron variant (2).
Genome position (GRCh38, 1-based): chr14:73,959,216, C>T. VCF-style: chr14-73959216-C-T. GRCh37 (hg19) VCF-style: chr14-74425919-C-T.
Other names: c.610C>T, p.Leu204= (NM_001425257.1); c.700C>T, p.Leu234= (NM_001425258.1, NM_182480.3); c.550C>T, p.Leu184= (NM_001425259.1, NM_001425260.1, NM_001425261.1); c.520C>T, p.Leu174= (NM_001425262.1); c.448C>T, p.Leu150= (NM_001425263.1); c.235C>T, p.Leu79= (NM_001425264.1, NM_001425265.1); c.*314G>A (NM_001330189.2, NM_001382259.1, NM_001382260.1); c.1201-3629G>A (NM_001382258.1); and 2 more.
Identifiers: ClinVar variation 3770921 (VCV003770921.13).

ClinVar aggregate classification (germline): Likely benign. Review status: criteria provided, multiple submitters, no conflicts (2 of 4 stars). 2 submissions from 2 submitters: Likely benign (2). Last evaluated 2025-12-04.

Conditions:
Inborn genetic diseases. Identifiers: MedGen C0950123, MeSH D030342.

gnomAD v4.1: 13 of 1,614,118 alleles (0.00081%); highest among the groups gnomAD compares: Non-Finnish European, 0.001%; no homozygotes.

Submissions (2):

Ambry Genetics
Classification: Likely benign for Inborn genetic diseases. Last evaluated: 2025-12-04. Review status: criteria provided, single submitter. Criteria: Ambry Variant Classification Scheme 2023. Collection method: clinical testing. Allele origin: germline.

CeGaT Center for Human Genetics Tuebingen
Classification: Likely benign. Last evaluated: 2024-12-01. Review status: criteria provided, single submitter. Criteria: CeGaT Center For Human Genetics Tuebingen Variant Classification Criteria Version 2. Collection method: clinical testing. Allele origin: germline. Affected: yes. Observed: 1 variant allele.
Comment: COQ6: BP4, BP7